The following is an entry in ClinVar:

ClinVar aggregate classification (germline): Benign (1 of 4 stars; one submission).

Submission:

Mayo Clinic Laboratories, Mayo Clinic
Classification: Benign. Last evaluated: 2024-07-18. Review status: criteria provided, single submitter. Criteria: ACMG Guidelines, 2015. Collection method: clinical testing. Allele origin: germline. Observed: 99 variant alleles.
Comment: BA1, BP4

NM_014251.3(SLC25A13):c.848+27_848+28del

Gene: SLC25A13 (solute carrier family 25 member 13; minus strand). Cytogenetic location: 7q21.3.
Variant type: Deletion.
Coding change: c.848+27_848+28del on transcript NM_014251.3 (MANE Select); bases 27 to 28 of the intron after coding-DNA position 848, 2 bases deleted (TT; older notation c.848+27_848+28delTT).
Molecular consequence: intron variant.
Genome position (GRCh38, 1-based): chr7:96,189,553-96,189,554, AA deleted on the plus strand (TT on the coding strand, the reverse complement: SLC25A13 is on the minus strand); deleting any 2 consecutive bases within chr7:96,189,553-96,189,570 gives the same sequence; the c. name uses the placement nearest the transcript's 3' end. VCF-style (leftmost placement, unchanged base first): chr7-96189552-CAA-C. GRCh37 (hg19) VCF-style: chr7-95818864-CAA-C.
Other names: p.?; c.848+27_848+28del (NM_001160210.2).
Identifiers: ClinVar variation 4683297 (VCV004683297.1).